The following is an entry in ClinVar:

NM_182961.4(SYNE1):c.18487G>A (p.Glu6163Lys)

Gene: SYNE1 (spectrin repeat containing nuclear envelope protein 1; minus strand). Cytogenetic location: 6q25.2.
Variant type: single nucleotide variant.
Coding change: c.18487G>A on transcript NM_182961.4 (MANE Select); coding-DNA position 18487, G replaced by A.
Protein change: p.Glu6163Lys; replaces glutamic acid 6163 with lysine.
Molecular consequence: missense variant.
Genome position (GRCh38, 1-based): chr6:152,278,175, C>T on the plus strand (G>A on the coding strand, the complement: SYNE1 is on the minus strand). VCF-style: chr6-152278175-C-T. GRCh37 (hg19) VCF-style: chr6-152599310-C-T.
Other names: c.18274G>A, p.Glu6092Lys (NM_033071.5); c.18487G>A (NM_182961.2); short protein forms E6163K, E6092K.
Identifiers: ClinVar variation 1933725 (VCV001933725.4), dbSNP rs750465723, ClinGen allele CA4054967.
Genomic context (GRCh38, chr6:152,278,175, plus strand): 5'-GGGCTCTCTGCAGCTCCAGCAGGCTCCCCTTGAGCCTTCTCAGCTTTCCAGCCAGCTGCT[C>T]GGCCTCGTCCTTGGTGTGAGCTTTGCCCTCCAGCAGCAGGTTCTCATTGTGGACTGACAG-3'
Protein context (NP_892006.3, residues 6153-6173): EGKAHTKDEA[Glu6163Lys]QLAGKLRRLK

ClinVar aggregate classification (germline): Uncertain significance. Review status: criteria provided, multiple submitters, no conflicts (2 of 4 stars). 3 submissions from 3 submitters: Uncertain significance (3). Last evaluated 2025-09-10.

Conditions:
Emery-Dreifuss muscular dystrophy 4, autosomal dominant (EDMD4). Also called: EMERY-DREIFUSS MUSCULAR DYSTROPHY 4 WITH VARIABLE FEATURES. Identifiers: Orphanet 261, MedGen C2751807, MONDO:0013071, OMIM 612998.
Autosomal recessive ataxia, Beauce type. Also called: SYNE1 Deficiency; Spinocerebellar ataxia, autosomal recessive 8; ATAXIA, RECESSIVE, OF BEAUCE; SYNE1-Related Autosomal Recessive Cerebellar Ataxia. Identifiers: Orphanet 88644, MedGen C1853116, MONDO:0012549, OMIM 610743.

Allele frequency attached by ClinVar (database versions not stated): ExAC 0.00007; gnomAD 0.00001; gnomAD exomes 0.00003.
gnomAD v4.1: 48 of 1,614,050 alleles (0.003%); highest among the groups gnomAD compares: South Asian, 0.048%; 1 homozygote.

Submissions (3):

Genomic Medicine Center of Excellence, King Faisal Specialist Hospital and Research Centre
Classification: Uncertain significance for Autosomal recessive ataxia, Beauce type. Last evaluated: 2025-09-10. Review status: criteria provided, single submitter. Criteria: ACMG Guidelines, 2015. Collection method: clinical testing. Allele origin: germline.

Athena Diagnostics
Classification: Uncertain significance. Last evaluated: 2024-02-23. Review status: criteria provided, single submitter. Criteria: Athena Diagnostics Criteria. Collection method: clinical testing. Allele origin: unknown.
Comment: Available data are insufficient to determine the clinical significance of the variant at this time. The frequency of this variant in the general population is higher than would generally be expected for pathogenic variants in this gene. Computational tools disagree on the variant's effect on normal protein function.

Labcorp Genetics (formerly Invitae), Labcorp
Classification: Uncertain significance for Emery-Dreifuss muscular dystrophy 4, autosomal dominant; Autosomal recessive ataxia, Beauce type. Last evaluated: 2022-06-01. Review status: criteria provided, single submitter. Criteria: Invitae Variant Classification Sherloc (09022015). Collection method: clinical testing. Allele origin: germline.
Comment: This sequence change replaces glutamic acid, which is acidic and polar, with lysine, which is basic and polar, at codon 6092 of the SYNE1 protein (p.Glu6092Lys). This variant is present in population databases (rs750465723, gnomAD 0.06%). This variant has not been reported in the literature in individuals affected with SYNE1-related conditions. Algorithms developed to predict the effect of missense changes on protein structure and function (SIFT, PolyPhen-2, Align-GVGD) all suggest that this variant is likely to be disruptive. In summary, the available evidence is currently insufficient to determine the role of this variant in disease. Therefore, it has been classified as a Variant of Uncertain Significance.